The following is an entry in ClinVar:

ClinVar aggregate classification (germline): Pathogenic (1 of 4 stars; one submission).

Submission:

Labcorp Genetics (formerly Invitae), Labcorp
Classification: Pathogenic. Last evaluated: 2024-11-18. Review status: criteria provided, single submitter. Criteria: Invitae Variant Classification Sherloc (09022015). Collection method: clinical testing. Allele origin: germline.
Comment: This sequence change creates a premature translational stop signal (p.Gln494Hisfs*39) in the LAMC3 gene. It is expected to result in an absent or disrupted protein product. Loss-of-function variants in LAMC3 are known to be pathogenic (PMID: 21572413, 26802095). This variant is present in population databases (no rsID available, gnomAD 0.0009%). This variant has not been reported in the literature in individuals affected with LAMC3-related conditions. For these reasons, this variant has been classified as Pathogenic.

Literature cited by the submitters: PubMed 21572413; PubMed 26802095.

NM_006059.4(LAMC3):c.1482del (p.Gln494fs)

Gene: LAMC3 (laminin subunit gamma 3; plus strand). Cytogenetic location: 9q34.12.
Variant type: Deletion.
Coding change: c.1482del on transcript NM_006059.4 (MANE Select); coding-DNA position 1482, one base deleted (G; older notation c.1482delG).
Protein change: p.Gln494fs; shifts the reading frame from glutamine 494.
Molecular consequence: frameshift variant.
Genome position (GRCh38, 1-based): chr9:131,045,623, G deleted. VCF-style (leftmost placement, unchanged base first): chr9-131045622-AG-A. GRCh37 (hg19) VCF-style: chr9-133921009-AG-A.
Other names: short protein forms Q494fs.
Identifiers: ClinVar variation 3690179 (VCV003690179.2).